The following is an entry in ClinVar:

ClinVar aggregate classification (germline): Uncertain significance (1 of 4 stars; one submission).

Conditions:
ALG12-congenital disorder of glycosylation (CDG1G). Also called: ALG12-CDG; Congenital disorder of glycosylation, type Ig; CDG Ig. Identifiers: Orphanet 79324, MedGen C2931001, MONDO:0011783, OMIM 607143.

Allele frequency attached by ClinVar (database versions not stated): TOPMed 0.00002.

Submission:

Labcorp Genetics (formerly Invitae), Labcorp
Classification: Uncertain significance for ALG12-congenital disorder of glycosylation. Last evaluated: 2022-06-22. Review status: criteria provided, single submitter. Criteria: Invitae Variant Classification Sherloc (09022015). Collection method: clinical testing. Allele origin: germline.
Comment: This variant is not present in population databases (gnomAD no frequency). This sequence change replaces tryptophan, which is neutral and slightly polar, with leucine, which is neutral and non-polar, at codon 132 of the ALG12 protein (p.Trp132Leu). This variant has not been reported in the literature in individuals affected with ALG12-related conditions. Algorithms developed to predict the effect of missense changes on protein structure and function output the following: SIFT: "Tolerated"; PolyPhen-2: "Benign"; Align-GVGD: "Class C0". The leucine amino acid residue is found in multiple mammalian species, which suggests that this missense change does not adversely affect protein function. In summary, the available evidence is currently insufficient to determine the role of this variant in disease. Therefore, it has been classified as a Variant of Uncertain Significance.

NM_024105.4(ALG12):c.395G>T (p.Trp132Leu)

Gene: ALG12 (ALG12 alpha-1,6-mannosyltransferase; minus strand). Cytogenetic location: 22q13.33.
Variant type: single nucleotide variant.
Coding change: c.395G>T on transcript NM_024105.4 (MANE Select); coding-DNA position 395, G replaced by T.
Protein change: p.Trp132Leu; replaces tryptophan 132 with leucine.
Molecular consequence: missense variant.
Genome position (GRCh38, 1-based): chr22:49,910,508, C>A on the plus strand (G>T on the coding strand, the complement: ALG12 is on the minus strand). VCF-style: chr22-49910508-C-A. GRCh37 (hg19) VCF-style: chr22-50304156-C-A.
Other names: short protein forms W132L.
Identifiers: ClinVar variation 2009427 (VCV002009427.4), dbSNP rs2060570550, ClinGen allele CA412077992.
Genomic context (GRCh38, chr22:49,910,508, plus strand): 5'-AGCACATTGGGCAGTGTCCGCGTGCAGTAGAACATCAGGTGGAACTGCATGGCCGTCACC[C>A]AGCAGAACATGGTGGCCACCATGGCCCCGAAGTGCCGTCTCACTTCCTTTTGTAACGTCC-3'
Protein context (NP_077010.1, residues 122-142): FGAMVATMFC[Trp132Leu]VTAMQFHLMF